The following is an entry in ClinVar:

NM_182760.4(SUMF1):c.776A>G (p.Asn259Ser)

Gene: SUMF1 (sulfatase modifying factor 1; minus strand). Cytogenetic location: 3p26.1.
Variant type: single nucleotide variant.
Coding change: c.776A>G on transcript NM_182760.4 (MANE Select); coding-DNA position 776, A replaced by G.
Protein change: p.Asn259Ser; replaces asparagine 259 with serine.
Molecular consequence: missense variant.
Genome position (GRCh38, 1-based): chr3:4,417,192, T>C on the plus strand (A>G on the coding strand, the complement: SUMF1 is on the minus strand). VCF-style: chr3-4417192-T-C. GRCh37 (hg19) VCF-style: chr3-4458876-T-C.
Other names: c.701A>G, p.Asn234Ser (NM_001164674.2); c.776A>G, p.Asn259Ser (NM_001164675.2); short protein forms N234S, N259S.
Identifiers: ClinVar variation 2203302 (VCV002203302.2), dbSNP rs764215221, ClinGen allele CA351632104.

ClinVar aggregate classification (germline): Uncertain significance. Review status: criteria provided, multiple submitters, no conflicts (2 of 4 stars). 2 submissions from 2 submitters: Uncertain significance (2). Last evaluated 2026-02-27.

Conditions:
Multiple sulfatase deficiency (MSD). Also called: Multiple Sulfatase Deficiency Disease; Sulfatidosis, Juvenile, Austin Type; Mucosulfatidosis. Identifiers: Orphanet 585, MedGen C0268263, MONDO:0010088, OMIM 272200.

Submissions (2):

Women's Health and Genetics/Laboratory Corporation of America, LabCorp
Classification: Uncertain significance. Last evaluated: 2026-02-27. Review status: criteria provided, single submitter. Criteria: LabCorp Variant Classification Summary - May 2015. Collection method: clinical testing. Allele origin: germline.
Comment: Variant summary: SUMF1 c.776A>G (p.Asn259Ser) results in a conservative amino acid change in the encoded protein sequence. Algorithms developed to predict the effect of missense changes on protein structure and function are either unavailable or do not agree on the potential impact of this missense change. The variant was absent in 251114 control chromosomes. c.776A>G has been observed as one of the components in a complex allele c.[776A>G;1018T>C] p.[N259S; Y340H] (paternally inherited), and was probably in trans along with c.725+1G>C ( presumably LP) in a patient with multiple sulfatase deficiency (Sabourdy _2015). These report(s) do not provide unequivocal conclusions about association of the variant with Multiple sulfatase deficiency. At least one publication reports experimental evidence evaluating an impact on protein function. The most pronounced variant effect results in 10%-<30% of normal protein levels in vitro (Sabourdy _2015). The following publication has been ascertained in the context of this evaluation (PMID: 25885655). ClinVar contains an entry for this variant (Variation ID: 2203302). Based on the evidence outlined above, the variant was classified as VUS-possibly pathogenic.

Labcorp Genetics (formerly Invitae), Labcorp
Classification: Uncertain significance for Multiple sulfatase deficiency. Last evaluated: 2022-06-09. Review status: criteria provided, single submitter. Criteria: Invitae Variant Classification Sherloc (09022015). Collection method: clinical testing. Allele origin: germline.
Comment: This sequence change replaces asparagine, which is neutral and polar, with serine, which is neutral and polar, at codon 259 of the SUMF1 protein (p.Asn259Ser). This variant is not present in population databases (gnomAD no frequency). This missense change has been observed in individual(s) with multiple sulfatase deficiency (PMID: 25885655). Algorithms developed to predict the effect of missense changes on protein structure and function (SIFT, PolyPhen-2, Align-GVGD) all suggest that this variant is likely to be disruptive. Experimental studies have shown that this missense change affects SUMF1 function (PMID: 25885655). This variant disrupts the p.Asn259 amino acid residue in SUMF1. Other variant(s) that disrupt this residue have been observed in individuals with SUMF1-related conditions (PMID: 15146462, 25818962), which suggests that this may be a clinically significant amino acid residue. In summary, the available evidence is currently insufficient to determine the role of this variant in disease. Therefore, it has been classified as a Variant of Uncertain Significance.

Literature cited by the submitters: PubMed 25885655 (cited by Women's Health and Genetics/Laboratory Corporation of America, LabCorp and Labcorp Genetics (formerly Invitae), Labcorp); PubMed 15146462 (cited by Labcorp Genetics (formerly Invitae), Labcorp); PubMed 25818962 (cited by Labcorp Genetics (formerly Invitae), Labcorp).